The following is an entry in ClinVar:

ClinVar aggregate classification (germline): Uncertain significance. Review status: criteria provided, multiple submitters, no conflicts (2 of 4 stars). 2 submissions from 2 submitters: Uncertain significance (2). Last evaluated 2025-01-21.

Conditions:
Inborn genetic diseases. Identifiers: MedGen C0950123, MeSH D030342.

Allele frequency attached by ClinVar (database versions not stated): gnomAD 0.00001; gnomAD exomes 0.00001; ExAC 0.00002; TOPMed 0.00002.
gnomAD v4.1: 16 of 1,614,012 alleles (0.00099%); highest among the groups gnomAD compares: Admixed American, 0.015%; no homozygotes.

Submissions (2):

Ambry Genetics
Classification: Uncertain significance for Inborn genetic diseases. Last evaluated: 2025-01-21. Review status: criteria provided, single submitter. Criteria: Ambry Variant Classification Scheme 2023. Collection method: clinical testing. Allele origin: germline.

Labcorp Genetics (formerly Invitae), Labcorp
Classification: Uncertain significance. Last evaluated: 2024-11-05. Review status: criteria provided, single submitter. Criteria: Invitae Variant Classification Sherloc (09022015). Collection method: clinical testing. Allele origin: germline.
Comment: This sequence change replaces serine, which is neutral and polar, with leucine, which is neutral and non-polar, at codon 488 of the ADAMTSL4 protein (p.Ser488Leu). This variant is present in population databases (rs751968200, gnomAD 0.03%). This variant has not been reported in the literature in individuals affected with ADAMTSL4-related conditions. ClinVar contains an entry for this variant (Variation ID: 1967859). Invitae Evidence Modeling of protein sequence and biophysical properties (such as structural, functional, and spatial information, amino acid conservation, physicochemical variation, residue mobility, and thermodynamic stability) indicates that this missense variant is not expected to disrupt ADAMTSL4 protein function with a negative predictive value of 80%. In summary, the available evidence is currently insufficient to determine the role of this variant in disease. Therefore, it has been classified as a Variant of Uncertain Significance.

NM_019032.6(ADAMTSL4):c.1463C>T (p.Ser488Leu)

Genes: ADAMTSL4 (ADAMTS like 4; plus strand), ADAMTSL4-AS2 (ADAMTSL4 antisense RNA 2; minus strand). Cytogenetic location: 1q21.2.
Variant type: single nucleotide variant.
Coding change: c.1463C>T on transcript NM_019032.6 (MANE Select); coding-DNA position 1463, C replaced by T.
Protein change: p.Ser488Leu; replaces serine 488 with leucine.
Molecular consequence: missense variant.
Genome position (GRCh38, 1-based): chr1:150,556,253, C>T. VCF-style: chr1-150556253-C-T. GRCh37 (hg19) VCF-style: chr1-150528729-C-T.
Other names: c.1532C>T, p.Ser511Leu (NM_001288607.2, NM_001288608.2); c.1463C>T, p.Ser488Leu (NM_001378596.1, NM_025008.5); c.1463C>T (NM_019032.4); short protein forms S488L, S511L.
Identifiers: ClinVar variation 1967859 (VCV001967859.4), dbSNP rs751968200, ClinGen allele CA1078277.